The following is an entry in ClinVar:

NM_001365536.1(SCN9A):c.2518-80C>A

Genes: SCN1A-AS1 (SCN1A and SCN9A antisense RNA 1; plus strand), SCN9A (sodium voltage-gated channel alpha subunit 9; minus strand). Cytogenetic location: 2q24.3.
Variant type: single nucleotide variant.
Coding change: c.2518-80C>A on transcript NM_001365536.1 (MANE Select); 80 bases into the intron before coding-DNA position 2518, C replaced by A.
Molecular consequence: intron variant.
Genome position (GRCh38, 1-based): chr2:166,277,419, G>T on the plus strand (C>A on the coding strand, the complement: SCN9A is on the minus strand). VCF-style: chr2-166277419-G-T. GRCh37 (hg19) VCF-style: chr2-167133929-G-T.
Other names: c.2485-80C>A (NM_002977.4).
Identifiers: ClinVar variation 3255305 (VCV003255305.2), dbSNP rs71428907.

ClinVar aggregate classification (germline): Benign (1 of 4 stars; one submission).

Allele frequency attached by ClinVar (database versions not stated): gnomAD exomes 0.08862; gnomAD 0.14935; 1000 Genomes Project 0.16134; TOPMed 0.16462; 1000 Genomes Project 30x 0.16802.
gnomAD v4.1: 90,061 of 904,912 alleles (10%); highest among the groups gnomAD compares: African/African-American, 28%; 6,263 homozygotes.

Submission:

Unidad de Genómica Garrahan, Hospital de Pediatría Garrahan
Classification: Benign. Last evaluated: 2024-07-15. Review status: criteria provided, single submitter. Criteria: ACMG Guidelines, 2015. Collection method: clinical testing. Allele origin: germline. Affected: no. Observed: 24 variant alleles.
Comment: This variant is classified as Benign based on local population frequency. This variant was detected in 26% of patients studied in a panel designed for Epileptic and Developmental Encephalopathy and Progressive Myoclonus Epilepsy. Number of patients: 24. Only high quality variants are reported.